The following is an entry in ClinVar:

ClinVar aggregate classification (germline): Uncertain significance. Review status: criteria provided, multiple submitters, no conflicts (2 of 4 stars). 2 submissions from 2 submitters: Uncertain significance (2). Last evaluated 2022-11-08.

Conditions:
Inborn genetic diseases. Identifiers: MedGen C0950123, MeSH D030342.

gnomAD v4.1: 184 of 1,613,814 alleles (0.011%); highest among the groups gnomAD compares: Non-Finnish European, 0.015%; no homozygotes.

Submissions (2):

Ambry Genetics
Classification: Uncertain significance for Inborn genetic diseases. Last evaluated: 2022-11-08. Review status: criteria provided, single submitter. Criteria: Ambry Variant Classification Scheme 2023. Collection method: clinical testing. Allele origin: germline.

Labcorp Genetics (formerly Invitae), Labcorp
Classification: Uncertain significance. Last evaluated: 2022-08-10. Review status: criteria provided, single submitter. Criteria: Invitae Variant Classification Sherloc (09022015). Collection method: clinical testing. Allele origin: germline.
Comment: This sequence change replaces proline, which is neutral and non-polar, with alanine, which is neutral and non-polar, at codon 2178 of the PCLO protein (p.Pro2178Ala). This variant is present in population databases (rs201432429, gnomAD 0.005%). This variant has not been reported in the literature in individuals affected with PCLO-related conditions. ClinVar contains an entry for this variant (Variation ID: 1445808). Algorithms developed to predict the effect of missense changes on protein structure and function are either unavailable or do not agree on the potential impact of this missense change (SIFT: "Tolerated"; PolyPhen-2: "Not Available"; Align-GVGD: "Class C0"). Algorithms developed to predict the effect of sequence changes on RNA splicing suggest that this variant may create or strengthen a splice site. In summary, the available evidence is currently insufficient to determine the role of this variant in disease. Therefore, it has been classified as a Variant of Uncertain Significance.

NM_033026.6(PCLO):c.6532C>G (p.Pro2178Ala)

Gene: PCLO (piccolo presynaptic cytomatrix protein; minus strand). Cytogenetic location: 7q21.11.
Variant type: single nucleotide variant.
Coding change: c.6532C>G on transcript NM_033026.6 (MANE Select); coding-DNA position 6532, C replaced by G.
Protein change: p.Pro2178Ala; replaces proline 2178 with alanine.
Molecular consequence: missense variant.
Genome position (GRCh38, 1-based): chr7:82,954,421, G>C on the plus strand (C>G on the coding strand, the complement: PCLO is on the minus strand). VCF-style: chr7-82954421-G-C. GRCh37 (hg19) VCF-style: chr7-82583737-G-C.
Other names: c.6532C>G, p.Pro2178Ala (NM_014510.3); c.6532C>G (NM_033026.5); short protein forms P2178A.
Identifiers: ClinVar variation 1445808 (VCV001445808.6), dbSNP rs201432429, ClinGen allele CA4320451.